The following is an entry in ClinVar:

NM_058004.4(PI4KA):c.194A>T (p.His65Leu)

Gene: PI4KA (phosphatidylinositol 4-kinase alpha; minus strand). Cytogenetic location: 22q11.21.
Variant type: single nucleotide variant.
Coding change: c.194A>T on transcript NM_058004.4 (MANE Select); coding-DNA position 194, A replaced by T.
Protein change: p.His65Leu; replaces histidine 65 with leucine.
Molecular consequence: missense variant.
Genome position (GRCh38, 1-based): chr22:20,838,694, T>A on the plus strand (A>T on the coding strand, the complement: PI4KA is on the minus strand). VCF-style: chr22-20838694-T-A. GRCh37 (hg19) VCF-style: chr22-21192982-T-A.
Other names: c.194A>T, p.His65Leu (NM_001362862.2, NM_001362863.2); short protein forms H65L.
Identifiers: ClinVar variation 4686090 (VCV004686090.1).

ClinVar aggregate classification (germline): Uncertain significance (1 of 4 stars; one submission).

Submission:

GeneDx
Classification: Uncertain significance. Last evaluated: 2025-07-18. Review status: criteria provided, single submitter. Criteria: GeneDx Variant Classification Process June 2021. Collection method: clinical testing. Allele origin: germline. Affected: yes.
Comment: Not observed at significant frequency in large population cohorts (gnomAD); In silico analysis suggests that this missense variant does not alter protein structure/function; Has not been previously published as pathogenic or benign to our knowledge